The following is an entry in ClinVar:

NM_001374736.1(DST):c.18392C>A (p.Thr6131Asn)

Gene: DST (dystonin; minus strand). Cytogenetic location: 6p12.1.
Variant type: single nucleotide variant.
Coding change: c.18392C>A on transcript NM_001374736.1 (MANE Select); coding-DNA position 18392, C replaced by A.
Protein change: p.Thr6131Asn; replaces threonine 6131 with asparagine.
Molecular consequence: missense variant.
Genome position (GRCh38, 1-based): chr6:56,515,634, G>T on the plus strand (C>A on the coding strand, the complement: DST is on the minus strand). VCF-style: chr6-56515634-G-T. GRCh37 (hg19) VCF-style: chr6-56380432-G-T.
Other names: c.12035C>A, p.Thr4012Asn (NM_001144769.5); c.11621C>A, p.Thr3874Asn (NM_001144770.2); c.18392C>A, p.Thr6131Asn (NM_001374722.1); c.17432C>A, p.Thr5811Asn (NM_001374729.1); c.11174C>A, p.Thr3725Asn (NM_001374730.1); c.18419C>A, p.Thr6140Asn (NM_001374734.1); c.11501C>A, p.Thr3834Asn (NM_001386100.1, NM_183380.4); c.10523C>A, p.Thr3508Asn (NM_015548.5); short protein forms T3834N, T3874N, T4012N, T6131N, T3508N, T3725N, T5811N, T6140N.
Identifiers: ClinVar variation 1525690 (VCV001525690.6), dbSNP rs2096572166, ClinGen allele CA364503494.
Genomic context (GRCh38, chr6:56,515,634, plus strand): 5'-TTAACCAGGGACTGTGCCCGTTCCAGCTGCAGATACCTTTCTGAATTAATCTGGCAGATG[G>T]TATCATAGTTCTTCAGTACCTTGTCCAGTTTTTTCTAGAAAATAAAAGGATGAAATGTTT-3'
Protein context (NP_001361665.1, residues 6121-6141): KLDKVLKNYD[Thr6131Asn]ICQINSERYL

ClinVar aggregate classification (germline): Uncertain significance (1 of 4 stars; one submission).

Conditions:
Hereditary sensory and autonomic neuropathy type 6. Also called: HSAN VI; Neuropathy, hereditary sensory and autonomic, type VI. Identifiers: Orphanet 314381, MedGen C3539003, MONDO:0013839, OMIM 614653.
Epidermolysis bullosa simplex 3, localized or generalized intermediate, with BP230 deficiency (EBS3). Also called: Epidermolysis bullosa simplex due to BP230 deficiency; Epidermolysis bullosa simplex, autosomal recessive 2. Identifiers: Orphanet 412181, MedGen C3809470, MONDO:0014180, OMIM 615425.

Allele frequency attached by ClinVar (database versions not stated): TOPMed below 0.00001; gnomAD 0.00001.
gnomAD v4.1: 1 of 1,612,076 alleles (0.000062%); highest among the groups gnomAD compares: Non-Finnish European, 0.000085%; no homozygotes.

Submission:

Labcorp Genetics (formerly Invitae), Labcorp
Classification: Uncertain significance for Epidermolysis bullosa simplex 3, localized or generalized intermediate, with BP230 deficiency; Hereditary sensory and autonomic neuropathy type 6. Last evaluated: 2020-11-06. Review status: criteria provided, single submitter. Criteria: Invitae Variant Classification Sherloc (09022015). Collection method: clinical testing. Allele origin: germline.
Comment: This sequence change replaces threonine with asparagine at codon 3508 of the DST protein (p.Thr3508Asn). The DST gene has multiple clinically relevant transcripts. This variant occurs in alternate transcript NM_015548.4, and corresponds to NM_001723.5:c.*99883C>A in the primary transcript. In summary, the available evidence is currently insufficient to determine the role of this variant in disease. Therefore, it has been classified as a Variant of Uncertain Significance. Experimental studies and prediction algorithms are not available or were not evaluated, and the functional significance of this variant is currently unknown. This variant has not been reported in the literature in individuals with DST-related conditions. This variant is not present in population databases (ExAC no frequency).